The following is an entry in ClinVar:

ClinVar aggregate classification (germline): Pathogenic (1 of 4 stars; one submission).

Conditions:
ALG9 congenital disorder of glycosylation (CDG1L). Also called: CONGENITAL DISORDER OF GLYCOSYLATION, TYPE Il; ALG9-CDG; CDG Il. Identifiers: Orphanet 79328, MedGen C2931006, MONDO:0012117, OMIM 608776.

Submission:

Labcorp Genetics (formerly Invitae), Labcorp
Classification: Pathogenic for ALG9 congenital disorder of glycosylation. Last evaluated: 2023-02-18. Review status: criteria provided, single submitter. Criteria: Invitae Variant Classification Sherloc (09022015). Collection method: clinical testing. Allele origin: germline.
Comment: This sequence change creates a premature translational stop signal (p.Ile126Argfs*18) in the ATP6V0A2 gene. It is expected to result in an absent or disrupted protein product. Loss-of-function variants in ATP6V0A2 are known to be pathogenic (PMID: 18157129, 19321599). This variant is not present in population databases (gnomAD no frequency). This variant has not been reported in the literature in individuals affected with ATP6V0A2-related conditions. For these reasons, this variant has been classified as Pathogenic.

Literature cited by the submitters: PubMed 18157129; PubMed 19321599.

NM_012463.4(ATP6V0A2):c.377_378del (p.Ile126fs)

Gene: ATP6V0A2 (ATPase H+ transporting V0 subunit a2; plus strand). Cytogenetic location: 12q24.31.
Variant type: Deletion.
Coding change: c.377_378del on transcript NM_012463.4 (MANE Select); coding-DNA positions 377 to 378, 2 bases deleted (TA; older notation c.377_378delTA).
Protein change: p.Ile126fs; shifts the reading frame from isoleucine 126.
Molecular consequence: frameshift variant.
Genome position (GRCh38, 1-based): chr12:123,724,736-123,724,737, TA deleted; deleting any 2 consecutive bases within chr12:123,724,735-123,724,737 gives the same sequence; the c. name uses the placement nearest the transcript's 3' end. VCF-style (leftmost placement, unchanged base first): chr12-123724734-GAT-G. GRCh37 (hg19) VCF-style: chr12-124209281-GAT-G.
Other names: short protein forms I126fs.
Identifiers: ClinVar variation 2838924 (VCV002838924.3), dbSNP rs2541846029, ClinGen allele CA2739277442.